The following is an entry in ClinVar:

ClinVar aggregate classification (germline): Conflicting classifications of pathogenicity. Review status: criteria provided, conflicting classifications (1 of 4 stars). 2 submissions from 2 submitters: Uncertain significance (1); Likely benign (1). Last evaluated 2025-09-18.

Conditions:
Hereditary cancer-predisposing syndrome. Also called: Hereditary Cancer Syndrome; Tumor predisposition; Neoplastic Syndromes, Hereditary; Hereditary neoplastic syndrome. Identifiers: Orphanet 140162, MedGen C0027672, MeSH D009386, MONDO:0015356.
Gastrointestinal stromal tumor. Also called: Gastrointestinal stromal tumor, somatic; Gastrointestinal stroma tumor. Identifiers: Orphanet 44890, MedGen C0238198, MeSH D046152, MONDO:0011719, OMIM 606764, HP:0100723.

gnomAD v4.1: 1 of 1,614,136 alleles (0.000062%); no homozygotes.

Submissions (2):

Ambry Genetics
Classification: Likely benign for Hereditary cancer-predisposing syndrome. Last evaluated: 2025-09-18. Review status: criteria provided, single submitter. Criteria: Ambry Variant Classification Scheme 2023. Collection method: clinical testing. Allele origin: germline.

Labcorp Genetics (formerly Invitae), Labcorp
Classification: Uncertain significance for Gastrointestinal stromal tumor. Last evaluated: 2021-03-22. Review status: criteria provided, single submitter. Criteria: Invitae Variant Classification Sherloc (09022015). Collection method: clinical testing. Allele origin: germline.
Comment: In summary, the available evidence is currently insufficient to determine the role of this variant in disease. Therefore, it has been classified as a Variant of Uncertain Significance. Algorithms developed to predict the effect of missense changes on protein structure and function are either unavailable or do not agree on the potential impact of this missense change (SIFT: "Deleterious"; PolyPhen-2: "Benign"; Align-GVGD: "Class C0"). This sequence change replaces serine with arginine at codon 56 of the PDGFRA protein (p.Ser56Arg). The serine residue is highly conserved and there is a moderate physicochemical difference between serine and arginine. This variant is not present in population databases (ExAC no frequency). This variant has not been reported in the literature in individuals with PDGFRA-related disease.

NM_006206.6(PDGFRA):c.168C>A (p.Ser56Arg)

Gene: PDGFRA (platelet derived growth factor receptor alpha; plus strand). Cytogenetic location: 4q12.
Variant type: single nucleotide variant.
Coding change: c.168C>A on transcript NM_006206.6 (MANE Select); coding-DNA position 168, C replaced by A.
Protein change: p.Ser56Arg; replaces serine 56 with arginine.
Molecular consequence: missense variant.
Genome position (GRCh38, 1-based): chr4:54,261,213, C>A. VCF-style: chr4-54261213-C-A. GRCh37 (hg19) VCF-style: chr4-55127380-C-A.
Other names: c.168C>A, p.Ser56Arg (NM_001347827.2, NM_001347829.2); c.243C>A, p.Ser81Arg (NM_001347828.2); c.207C>A, p.Ser69Arg (NM_001347830.2); short protein forms S69R, S81R, S56R.
Identifiers: ClinVar variation 639929 (VCV000639929.8), dbSNP rs1577705191, ClinGen allele CA356888396.